The following is an entry in ClinVar:

ClinVar aggregate classification (germline): Uncertain significance (1 of 4 stars; one submission).

Allele frequency attached by ClinVar (database versions not stated): gnomAD 0.00001; gnomAD exomes 0.00001; ExAC 0.00002; TOPMed 0.00002.
gnomAD v4.1: 19 of 1,613,986 alleles (0.0012%); highest among the groups gnomAD compares: Admixed American, 0.018%; no homozygotes.

Submission:

Labcorp Genetics (formerly Invitae), Labcorp
Classification: Uncertain significance. Last evaluated: 2022-06-27. Review status: criteria provided, single submitter. Criteria: Invitae Variant Classification Sherloc (09022015). Collection method: clinical testing. Allele origin: germline.
Comment: This variant has not been reported in the literature in individuals affected with ACACA-related conditions. This sequence change replaces arginine, which is basic and polar, with glutamine, which is neutral and polar, at codon 1860 of the ACACA protein (p.Arg1860Gln). This variant is present in population databases (rs753404505, gnomAD 0.03%). Algorithms developed to predict the effect of missense changes on protein structure and function are either unavailable or do not agree on the potential impact of this missense change (SIFT: "Tolerated"; PolyPhen-2: "Probably Damaging"; Align-GVGD: "Class C0"). In summary, the available evidence is currently insufficient to determine the role of this variant in disease. Therefore, it has been classified as a Variant of Uncertain Significance.

NM_198834.3(ACACA):c.5690G>A (p.Arg1897Gln)

Gene: ACACA (acetyl-CoA carboxylase alpha; minus strand). Cytogenetic location: 17q12.
Variant type: single nucleotide variant.
Coding change: c.5690G>A on transcript NM_198834.3 (MANE Select); coding-DNA position 5690, G replaced by A.
Protein change: p.Arg1897Gln; replaces arginine 1897 with glutamine.
Molecular consequence: missense variant.
Genome position (GRCh38, 1-based): chr17:37,130,208, C>T on the plus strand (G>A on the coding strand, the complement: ACACA is on the minus strand). VCF-style: chr17-37130208-C-T. GRCh37 (hg19) VCF-style: chr17-35487134-C-T.
Other names: c.5579G>A, p.Arg1860Gln (NM_198836.3, NM_198839.3); c.5405G>A, p.Arg1802Gln (NM_198837.2); c.5345G>A, p.Arg1782Gln (NM_198838.2); short protein forms R1782Q, R1897Q, R1860Q, R1802Q.
Identifiers: ClinVar variation 1918462 (VCV001918462.5), dbSNP rs753404505, ClinGen allele CA8514801.